The following is an entry in ClinVar:

ClinVar aggregate classification (germline): Uncertain significance. Review status: criteria provided, multiple submitters, no conflicts (2 of 4 stars). 2 submissions from 2 submitters: Uncertain significance (2). Last evaluated 2023-10-13.

Conditions:
Inborn genetic diseases. Identifiers: MedGen C0950123, MeSH D030342.

Allele frequency attached by ClinVar (database versions not stated): ExAC 0.00001; gnomAD 0.00001; TOPMed 0.00001.

Submissions (2):

Labcorp Genetics (formerly Invitae), Labcorp
Classification: Uncertain significance. Last evaluated: 2023-10-13. Review status: criteria provided, single submitter. Criteria: Invitae Variant Classification Sherloc (09022015). Collection method: clinical testing. Allele origin: germline.
Comment: This sequence change replaces isoleucine, which is neutral and non-polar, with threonine, which is neutral and polar, at codon 752 of the SLC9A3 protein (p.Ile752Thr). This variant is present in population databases (rs768462607, gnomAD 0.003%). This variant has not been reported in the literature in individuals affected with SLC9A3-related conditions. ClinVar contains an entry for this variant (Variation ID: 1947912). An algorithm developed to predict the effect of missense changes on protein structure and function (PolyPhen-2) suggests that this variant¬†is likely to be tolerated. In summary, the available evidence is currently insufficient to determine the role of this variant in disease. Therefore, it has been classified as a Variant of Uncertain Significance.

Ambry Genetics
Classification: Uncertain significance for Inborn genetic diseases. Last evaluated: 2021-09-16. Review status: criteria provided, single submitter. Criteria: Ambry Variant Classification Scheme 2023. Collection method: clinical testing. Allele origin: germline.

NM_004174.4(SLC9A3):c.2255T>C (p.Ile752Thr)

Genes: SLC9A3 (solute carrier family 9 member A3), SLC9A3-AS1 (SLC9A3 antisense RNA 1; plus strand). Cytogenetic location: 5p15.33.
Variant type: single nucleotide variant.
Coding change: c.2255T>C on transcript NM_004174.4 (MANE Select); coding-DNA position 2255, T replaced by C.
Protein change: p.Ile752Thr; replaces isoleucine 752 with threonine.
Molecular consequence: missense variant.
Genome position (GRCh38, 1-based): chr5:475,129, A>G on the plus strand (T>C on the coding strand, the complement: SLC9A3 is on the minus strand). VCF-style: chr5-475129-A-G. GRCh37 (hg19) VCF-style: chr5-475244-A-G.
Other names: c.2228T>C, p.Ile743Thr (NM_001284351.3); short protein forms I743T, I752T.
Identifiers: ClinVar variation 1947912 (VCV001947912.5), dbSNP rs768462607, ClinGen allele CA3175500.